The following is an entry in ClinVar:

ClinVar aggregate classification (germline): Uncertain significance (1 of 4 stars; one submission).

gnomAD v4.1: 12 of 1,613,664 alleles (0.00074%); highest among the groups gnomAD compares: African/African-American, 0.0053%; no homozygotes.

Submission:

Labcorp Genetics (formerly Invitae), Labcorp
Classification: Uncertain significance. Last evaluated: 2025-06-12. Review status: criteria provided, single submitter. Criteria: Invitae Variant Classification Sherloc (09022015). Collection method: clinical testing. Allele origin: germline.
Comment: This sequence change replaces lysine, which is basic and polar, with arginine, which is basic and polar, at codon 622 of the ROBO1 protein (p.Lys622Arg). This variant is present in population databases (no rsID available, gnomAD 0.01%). This variant has not been reported in the literature in individuals affected with ROBO1-related conditions. ClinVar contains an entry for this variant (Variation ID: 3622261). Invitae Evidence Modeling of protein sequence and biophysical properties (such as structural, functional, and spatial information, amino acid conservation, physicochemical variation, residue mobility, and thermodynamic stability) indicates that this missense variant is not expected to disrupt ROBO1 protein function with a negative predictive value of 95%. In summary, the available evidence is currently insufficient to determine the role of this variant in disease. Therefore, it has been classified as a Variant of Uncertain Significance.

NM_002941.4(ROBO1):c.1865A>G (p.Lys622Arg)

Gene: ROBO1 (roundabout guidance receptor 1; minus strand). Cytogenetic location: 3p12.3.
Variant type: single nucleotide variant.
Coding change: c.1865A>G on transcript NM_002941.4 (MANE Select); coding-DNA position 1865, A replaced by G.
Protein change: p.Lys622Arg; replaces lysine 622 with arginine.
Molecular consequence: missense variant.
Genome position (GRCh38, 1-based): chr3:78,667,984, T>C on the plus strand (A>G on the coding strand, the complement: ROBO1 is on the minus strand). VCF-style: chr3-78667984-T-C. GRCh37 (hg19) VCF-style: chr3-78717134-T-C.
Other names: c.1757A>G, p.Lys586Arg (NM_133631.4, NM_001145845.2); short protein forms K586R, K622R.
Identifiers: ClinVar variation 3622261 (VCV003622261.2).